The following is an entry in ClinVar:

NM_001457.4(FLNB):c.541+288G>C

Gene: FLNB (filamin B; plus strand). Cytogenetic location: 3p14.3.
Variant type: single nucleotide variant.
Coding change: c.541+288G>C on transcript NM_001457.4 (MANE Select); 288 bases into the intron after coding-DNA position 541, G replaced by C.
Molecular consequence: intron variant.
Genome position (GRCh38, 1-based): chr3:58,077,582, G>C. VCF-style: chr3-58077582-G-C. GRCh37 (hg19) VCF-style: chr3-58063309-G-C.
Other names: c.541+288G>C (NM_001164317.2, NM_001164318.2, NM_001164319.2).
Identifiers: ClinVar variation 671372 (VCV000671372.1), dbSNP rs13063266, ClinGen allele CA75427880.

ClinVar aggregate classification (germline): Benign (1 of 4 stars; one submission).

Allele frequency attached by ClinVar (database versions not stated): 1000 Genomes Project 0.16953; 1000 Genomes Project 30x 0.17130; TOPMed 0.24180; gnomAD 0.25462 and 0.25517.
gnomAD v4.1: 38,804 of 152,078 alleles (26%); highest among the groups gnomAD compares: Middle Eastern, 40%; 5,954 homozygotes.

Submission:

GeneDx
Classification: Benign. Last evaluated: 2018-06-14. Review status: criteria provided, single submitter. Criteria: GeneDx Variant Classification (06012015). Collection method: clinical testing. Allele origin: germline. Affected: yes.
Comment: This variant is considered likely benign or benign based on one or more of the following criteria: it is a conservative change, it occurs at a poorly conserved position in the protein, it is predicted to be benign by multiple in silico algorithms, and/or has population frequency not consistent with disease.